The following is an entry in ClinVar:

ClinVar aggregate classification (germline): Uncertain significance (1 of 4 stars; one submission).

Conditions:
MOGS-congenital disorder of glycosylation. Also called: CDG IIb; CDG 2B; GLUCOSIDASE I DEFICIENCY; MOGS-CDG. Identifiers: Orphanet 79330, MedGen C1853736, MONDO:0011629, OMIM 606056.

gnomAD v4.1: 6 of 1,614,196 alleles (0.00037%); highest among the groups gnomAD compares: Admixed American, 0.0017%; no homozygotes.

Submission:

Labcorp Genetics (formerly Invitae), Labcorp
Classification: Uncertain significance for MOGS-congenital disorder of glycosylation. Last evaluated: 2025-05-04. Review status: criteria provided, single submitter. Criteria: Invitae Variant Classification Sherloc (09022015). Collection method: clinical testing. Allele origin: germline.
Comment: This sequence change replaces isoleucine, which is neutral and non-polar, with leucine, which is neutral and non-polar, at codon 332 of the MOGS protein (p.Ile332Leu). This variant is present in population databases (rs761887713, gnomAD 0.0009%). This variant has not been reported in the literature in individuals affected with MOGS-related conditions. Invitae Evidence Modeling of protein sequence and biophysical properties (such as structural, functional, and spatial information, amino acid conservation, physicochemical variation, residue mobility, and thermodynamic stability) indicates that this missense variant is not expected to disrupt MOGS protein function with a negative predictive value of 80%. In summary, the available evidence is currently insufficient to determine the role of this variant in disease. Therefore, it has been classified as a Variant of Uncertain Significance.

NM_006302.3(MOGS):c.994A>C (p.Ile332Leu)

Gene: MOGS (mannosyl-oligosaccharide glucosidase; minus strand). Cytogenetic location: 2p13.1.
Variant type: single nucleotide variant.
Coding change: c.994A>C on transcript NM_006302.3 (MANE Select); coding-DNA position 994, A replaced by C.
Protein change: p.Ile332Leu; replaces isoleucine 332 with leucine.
Molecular consequence: missense variant.
Genome position (GRCh38, 1-based): chr2:74,462,795, T>G on the plus strand (A>C on the coding strand, the complement: MOGS is on the minus strand). VCF-style: chr2-74462795-T-G. GRCh37 (hg19) VCF-style: chr2-74689922-T-G.
Other names: c.676A>C, p.Ile226Leu (NM_001146158.2); short protein forms I332L, I226L.
Identifiers: ClinVar variation 4697367 (VCV004697367.1).